The following is an entry in ClinVar:

NM_000548.5(TSC2):c.5105T>C (p.Ile1702Thr)

Gene: TSC2 (TSC complex subunit 2; plus strand). Cytogenetic location: 16p13.3.
Variant type: single nucleotide variant.
Coding change: c.5105T>C on transcript NM_000548.5 (MANE Select); coding-DNA position 5105, T replaced by C.
Protein change: p.Ile1702Thr; replaces isoleucine 1702 with threonine.
Molecular consequence: missense variant. On other transcripts: non-coding transcript variant (5).
Genome position (GRCh38, 1-based): chr16:2,088,084, T>C. VCF-style: chr16-2088084-T-C. GRCh37 (hg19) VCF-style: chr16-2138085-T-C.
Other names: c.4904T>C, p.Ile1635Thr (NM_001077183.3); c.5036T>C, p.Ile1679Thr (NM_001114382.3); c.4796T>C, p.Ile1599Thr (NM_001318827.2); c.4760T>C, p.Ile1587Thr (NM_001318829.2); c.4373T>C, p.Ile1458Thr (NM_001318831.2); c.4937T>C, p.Ile1646Thr (NM_001318832.2); c.4907T>C, p.Ile1636Thr (NM_001363528.2); c.4973T>C, p.Ile1658Thr (NM_001370404.1); and 26 more; short protein forms I1101T, I1187T, I1211T, I1231T, I1435T, I1458T, I1599T, I1629T.
Identifiers: ClinVar variation 5031346 (VCV005031346.1).

ClinVar aggregate classification (germline): Uncertain significance (1 of 4 stars; one submission).

Conditions:
Hereditary cancer-predisposing syndrome. Also called: Neoplastic Syndromes, Hereditary; Tumor predisposition; Hereditary neoplastic syndrome; Hereditary Cancer Syndrome. Identifiers: Orphanet 140162, MedGen C0027672, MeSH D009386, MONDO:0015356.

Submission:

Ambry Genetics
Classification: Uncertain significance for Hereditary cancer-predisposing syndrome. Last evaluated: 2026-07-07. Review status: criteria provided, single submitter. Criteria: Ambry Variant Classification Scheme 2023. Collection method: clinical testing. Allele origin: germline.
Comment: The p.I1702T variant (also known as c.5105T>C), located in coding exon 39 of the TSC2 gene, results from a T to C substitution at nucleotide position 5105. The isoleucine at codon 1702 is replaced by threonine, an amino acid with similar properties. This amino acid position is conserved. In addition, this alteration is predicted to be deleterious by in silico analysis. Based on the available evidence, the clinical significance of this variant remains unclear.